The following is an entry in ClinVar:

ClinVar aggregate classification (germline): Likely benign (1 of 4 stars; one submission).

Allele frequency attached by ClinVar (database versions not stated): ESP Exome Variant Server 0.00008; 1000 Genomes Project 0.00020; ExAC 0.00066.

Submission:

CeGaT Center for Human Genetics Tuebingen
Classification: Likely benign. Last evaluated: 2022-11-01. Review status: criteria provided, single submitter. Criteria: CeGaT Center For Human Genetics Tuebingen Variant Classification Criteria Version 2. Collection method: clinical testing. Allele origin: germline. Affected: yes. Observed: 1 variant allele.
Comment: POTEG: BP4, BP7

NM_001005356.3(POTEG):c.369C>T (p.Tyr123=)

Gene: POTEG (POTE ankyrin domain family member G; minus strand). Cytogenetic location: 14q11.2.
Variant type: single nucleotide variant.
Coding change: c.369C>T on transcript NM_001005356.3 (MANE Select); coding-DNA position 369, C replaced by T.
Protein change: p.Tyr123=; no amino-acid change (tyrosine 123 retained).
Molecular consequence: synonymous variant. On other transcripts: non-coding transcript variant (1).
Genome position (GRCh38, 1-based): chr14:19,433,921, G>A on the plus strand (C>T on the coding strand, the complement: POTEG is on the minus strand). VCF-style: chr14-19433921-G-A. GRCh37 (hg19) VCF-style: chr14-19553785-C-T.
Identifiers: ClinVar variation 2644029 (VCV002644029.24), dbSNP rs377102807, ClinGen allele CA7071438.
Genomic context (GRCh38, chr14:19,433,921, plus strand): 5'-GAGCTTGTCCAGATCTTCTCGACGGACGTGGTACCTCGGCTCCATGAAAGCGCTGTCGTC[G>A]TAGTCTCCCCAAGGGCCCACTTTGCTCTTGCCGCTCCCCCTGCAGCAGGGGAAGCAGTGG-3'
Protein context (NP_001005356.1, residues 113-133): GKSKVGPWGD[Tyr123=]DDSAFMEPRY